The following is an entry in ClinVar:

ClinVar aggregate classification (germline): Likely benign. Review status: criteria provided, single submitter (1 of 4 stars). 3 submissions from 3 submitters: Likely benign (1). 2 of the submissions do not count toward it. Last evaluated 2026-01-24.

Conditions:
GUSB-related disorder. Also called: GUSB-related condition.
Mucopolysaccharidosis type 7 (MPS7). Also called: MPS VII; SLY SYNDROME; BETA-GLUCURONIDASE DEFICIENCY; GUSB DEFICIENCY. Identifiers: Orphanet 584, MedGen C0085132, MONDO:0009662, OMIM 253220.

Submissions (3):

Labcorp Genetics (formerly Invitae), Labcorp
Classification: Likely benign for Mucopolysaccharidosis type 7. Last evaluated: 2026-01-24. Review status: criteria provided, single submitter. Criteria: Invitae Variant Classification Sherloc (09022015). Collection method: clinical testing. Allele origin: germline.

PreventionGenetics, part of Exact Sciences
Classification: Likely benign for GUSB-related condition. Last evaluated: 2023-04-12. Review status: no assertion criteria provided. Collection method: clinical testing. Allele origin: germline. Not counted in ClinVar's aggregate classification.
Comment: This variant is classified as likely benign based on ACMG/AMP sequence variant interpretation guidelines (Richards et al. 2015 PMID: 25741868, with internal and published modifications).

SingHealth Duke-NUS Institute of Precision Medicine
Classification: Uncertain significance for Mucopolysaccharidosis type 7. Last evaluated: 2017-06-07. Review status: no assertion criteria provided. Collection method: curation. Allele origin: germline. Affected: no. Not counted in ClinVar's aggregate classification.

NM_000181.4(GUSB):c.1916_1918dup (p.Val639dup)

Gene: GUSB (glucuronidase beta; minus strand). Cytogenetic location: 7q11.21.
Variant type: Duplication.
Coding change: c.1916_1918dup on transcript NM_000181.4 (MANE Select); coding-DNA positions 1916 to 1918, 3 bases duplicated (TAG; older notation c.1916_1918dupTAG).
Protein change: p.Val639dup; duplicates valine 639.
Molecular consequence: inframe insertion. On other transcripts: non-coding transcript variant (1).
Genome position (GRCh38, 1-based): chr7:65,960,935-65,960,937, CTA duplicated on the plus strand (TAG on the coding strand, the reverse complement: GUSB is on the minus strand); duplicating any 3 consecutive bases within chr7:65,960,935-65,960,939 gives the same sequence; the c. name uses the placement nearest the transcript's 3' end. VCF-style (leftmost placement, unchanged base first): chr7-65960934-G-GCTA. GRCh37 (hg19) VCF-style: chr7-65425921-G-GCTA.
Other names: c.1478_1480dup, p.Val493dup (NM_001284290.2); c.1346_1348dup, p.Val449dup (NM_001293104.2); c.1259_1261dup, p.Val420dup (NM_001293105.2); c.1916_1918dupTAG (NM_000181.3).
Identifiers: ClinVar variation 590834 (VCV000590834.12), dbSNP rs770237165, ClinGen allele CA4276140.